The following is an entry in ClinVar:

NM_014845.6(FIG4):c.27C>T (p.Ile9=)

Gene: FIG4 (FIG4 phosphoinositide 5-phosphatase; plus strand). Cytogenetic location: 6q21.
Variant type: single nucleotide variant.
Coding change: c.27C>T on transcript NM_014845.6 (MANE Select); coding-DNA position 27, C replaced by T.
Protein change: p.Ile9=; no amino-acid change (isoleucine 9 retained).
Molecular consequence: synonymous variant.
Genome position (GRCh38, 1-based): chr6:109,691,462, C>T. VCF-style: chr6-109691462-C-T. GRCh37 (hg19) VCF-style: chr6-110012665-C-T.
Other names: p.I9I:ATC>ATT; p.Ile9=.
Identifiers: ClinVar variation 137376 (VCV000137376.77), dbSNP rs141040807, ClinGen allele CA200532.

ClinVar aggregate classification (germline): Benign/Likely benign. Review status: criteria provided, multiple submitters, no conflicts (2 of 4 stars). 18 submissions from 17 submitters: Benign (10); Likely benign (4). 4 of the submissions do not count toward it. Last evaluated 2026-08-01.

Conditions:
Yunis-Varon syndrome (YVS). Also called: Cleidocranial dysplasia, micrognathia, absent thumbs, & distal aphalangia. Identifiers: Orphanet 3472, MedGen C1857663, MONDO:0008995, OMIM 216340.
Bilateral parasagittal parieto-occipital polymicrogyria. Also called: Polymicrogyria, bilateral temporooccipital. Identifiers: Orphanet 208441, MedGen C4013648, MONDO:0012986, OMIM 612691.
Charcot-Marie-Tooth disease type 4J (CMT4J). Also called: CHARCOT-MARIE-TOOTH DISEASE, DEMYELINATING, TYPE 4J; CHARCOT-MARIE-TOOTH DISEASE, AUTOSOMAL RECESSIVE, TYPE 4J; Charcot-Marie-Tooth Neuropathy Type 4J. Identifiers: Orphanet 139515, MedGen C1970011, MONDO:0012640, OMIM 611228.
Amyotrophic lateral sclerosis type 11 (ALS11). Identifiers: Orphanet 803, MedGen C2675491, MONDO:0012945, OMIM 612577.
FIG4-related disorder. Also called: FIG4-related disorders; FIG4-related condition.
Inborn genetic diseases. Identifiers: MedGen C0950123, MeSH D030342.
Charcot-Marie-Tooth disease. Also called: Charcot-Marie-Tooth Hereditary Neuropathy; Charcot-Marie-Tooth Neuropathy. Identifiers: Orphanet 166, MedGen C0007959, MONDO:0015626.
Charcot-Marie-Tooth disease type 4. Also called: Charcot-Marie-Tooth disease, type IV; Charcot-Marie-Tooth, Type 4. Identifiers: Orphanet 64749, MedGen C4082197, MONDO:0018995.

Allele frequency attached by ClinVar (database versions not stated): 1000 Genomes Project 30x 0.00172; 1000 Genomes Project 0.00180; TOPMed 0.00349; gnomAD 0.00391 and 0.00398; ESP Exome Variant Server 0.00447.
gnomAD v4.1: 8,017 of 1,586,892 alleles (0.51%); highest among the groups gnomAD compares: Non-Finnish European, 0.53%; 41 homozygotes.

Submissions (18):

CeGaT Center for Human Genetics Tuebingen
Classification: Likely benign. Last evaluated: 2026-08-01. Review status: criteria provided, single submitter. Criteria: CeGaT Center For Human Genetics Tuebingen Variant Classification Criteria Version 2. Collection method: clinical testing. Allele origin: germline. Affected: yes. Observed: 64 variant alleles.
Comment: FIG4: BP4, BS2

Labcorp Genetics (formerly Invitae), Labcorp
Classification: Benign for Charcot-Marie-Tooth disease type 4. Last evaluated: 2026-02-02. Review status: criteria provided, single submitter. Criteria: Invitae Variant Classification Sherloc (09022015). Collection method: clinical testing. Allele origin: germline.

ARUP Laboratories, Molecular Genetics and Genomics, ARUP Laboratories
Classification: Benign. Last evaluated: 2024-04-16. Review status: criteria provided, single submitter. Criteria: ARUP Molecular Germline Variant Investigation Process 2024. Collection method: clinical testing. Allele origin: germline.

Mayo Clinic Laboratories, Mayo Clinic
Classification: Benign. Last evaluated: 2023-09-13. Review status: criteria provided, single submitter. Criteria: ACMG Guidelines, 2015. Collection method: clinical testing. Allele origin: germline. Observed: 30 variant alleles.

Ambry Genetics
Classification: Likely benign for Inborn genetic diseases. Last evaluated: 2022-04-01. Review status: criteria provided, single submitter. Criteria: Ambry Variant Classification Scheme 2023. Collection method: clinical testing. Allele origin: germline.

Fulgent Genetics
Classification: Likely benign for Yunis-Varon syndrome; Charcot-Marie-Tooth disease type 4J; Amyotrophic lateral sclerosis type 11; Bilateral parasagittal parieto-occipital polymicrogyria. Last evaluated: 2022-01-02. Review status: criteria provided, single submitter. Criteria: ACMG Guidelines, 2015. Collection method: clinical testing. Allele origin: unknown.

Genetic Services Laboratory, University of Chicago
Classification: Benign. Last evaluated: 2019-10-07. Review status: criteria provided, single submitter. Criteria: ACMG Guidelines, 2015. Collection method: clinical testing. Allele origin: germline. Affected: no.

Illumina Laboratory Services, Illumina
Classification: Benign for Amyotrophic lateral sclerosis type 11. Last evaluated: 2018-01-12. Review status: criteria provided, single submitter. Criteria: ICSL Variant Classification Criteria 13 December 2019. Collection method: clinical testing. Allele origin: germline.
Comment: This variant was observed in the ICSL laboratory as part of a predisposition screen in an ostensibly healthy population. It had not been previously curated by ICSL or reported in the Human Gene Mutation Database (HGMD: prior to June 1st, 2018), and was therefore a candidate for classification through an automated scoring system. Utilizing variant allele frequency, disease prevalence and penetrance estimates, and inheritance mode, an automated score was calculated to assess if this variant is too frequent to cause the disease. Based on the score and internal cut-off values, a variant classified as benign is not then subjected to further curation. The score for this variant resulted in a classification of benign for this disease.

Illumina Laboratory Services, Illumina
Classification: Benign for Charcot-Marie-Tooth disease type 4J. Last evaluated: 2018-01-12. Review status: criteria provided, single submitter. Criteria: ICSL Variant Classification Criteria 13 December 2019. Collection method: clinical testing. Allele origin: germline.
Comment: the same text as in the submission from Illumina Laboratory Services, Illumina above.

Athena Diagnostics
Classification: Benign. Last evaluated: 2017-09-19. Review status: criteria provided, single submitter. Criteria: Athena Diagnostics Criteria. Collection method: clinical testing. Allele origin: germline.

Eurofins Ntd Llc (ga)
Classification: Benign. Last evaluated: 2016-01-07. Review status: criteria provided, single submitter. Criteria: EGL Classification Definitions 2015. Collection method: clinical testing. Allele origin: germline. Observed: 1 variant allele, 1 heterozygote.

GeneDx
Classification: Benign. Last evaluated: 2014-05-13. Review status: criteria provided, single submitter. Criteria: GeneDx Variant Classification (06012015). Collection method: clinical testing. Allele origin: germline. Affected: yes.
Comment: This variant is considered likely benign or benign based on one or more of the following criteria: it is a conservative change, it occurs at a poorly conserved position in the protein, it is predicted to be benign by multiple in silico algorithms, and/or has population frequency not consistent with disease.

Breakthrough Genomics
Classification: Likely benign. Review status: criteria provided, single submitter. Criteria: ACMG Guidelines, 2015. Collection method: not provided. Allele origin: germline. Inheritance: Autosomal recessive inheritance. Affected: yes.

Molecular Genetics Laboratory, London Health Sciences Centre
Classification: Benign for Charcot-Marie-Tooth disease. Review status: criteria provided, single submitter. Criteria: ACMG Guidelines, 2015. Collection method: clinical testing. Allele origin: germline. Affected: yes.

PreventionGenetics, part of Exact Sciences
Classification: Benign for FIG4-related condition. Last evaluated: 2019-06-19. Review status: no assertion criteria provided. Collection method: clinical testing. Allele origin: germline. Not counted in ClinVar's aggregate classification.
Comment: This variant is classified as benign based on ACMG/AMP sequence variant interpretation guidelines (Richards et al. 2015 PMID: 25741868, with internal and published modifications).

Clinical Genetics, Academic Medical Center
Classification: Benign. Review status: no assertion criteria provided. Collection method: clinical testing. Allele origin: germline. Affected: yes. Study: VKGL Data-share Consensus. Not counted in ClinVar's aggregate classification.

Genome Diagnostics Laboratory, Amsterdam University Medical Center
Classification: Benign. Review status: no assertion criteria provided. Collection method: clinical testing. Allele origin: germline. Affected: yes. Study: VKGL Data-share Consensus. Not counted in ClinVar's aggregate classification.

Genome Diagnostics Laboratory, University Medical Center Utrecht
Classification: Benign. Review status: no assertion criteria provided. Collection method: clinical testing. Allele origin: germline. Affected: yes. Study: VKGL Data-share Consensus. Not counted in ClinVar's aggregate classification.

Literature cited by the submitters: PubMed 19118816 (cited by Athena Diagnostics); PubMed 23336365 (cited by Athena Diagnostics).